The following is an entry in ClinVar:

NM_000038.6(APC):c.3619A>G (p.Lys1207Glu)

Gene: APC (APC regulator of Wnt signaling pathway; plus strand). Cytogenetic location: 5q22.2.
Variant type: single nucleotide variant.
Coding change: c.3619A>G on transcript NM_000038.6 (MANE Select); coding-DNA position 3619, A replaced by G.
Protein change: p.Lys1207Glu; replaces lysine 1207 with glutamic acid.
Molecular consequence: missense variant.
Genome position (GRCh38, 1-based): chr5:112,839,213, A>G. VCF-style: chr5-112839213-A-G. GRCh37 (hg19) VCF-style: chr5-112174910-A-G.
Other names: c.3619A>G, p.Lys1207Glu (NM_001127510.3, NM_001354895.2); c.3565A>G, p.Lys1189Glu (NM_001127511.3); c.3673A>G, p.Lys1225Glu (NM_001354896.2); c.3649A>G, p.Lys1217Glu (NM_001354897.2); c.3544A>G, p.Lys1182Glu (NM_001354898.2); c.3535A>G, p.Lys1179Glu (NM_001354899.2); c.3496A>G, p.Lys1166Glu (NM_001354900.2); c.3442A>G, p.Lys1148Glu (NM_001354901.2); and 5 more; short protein forms K1166E, K1179E, K1081E, K1116E, K1182E, K1189E, K1106E, K1148E.
Identifiers: ClinVar variation 966144 (VCV000966144.10), dbSNP rs1765476939, ClinGen allele CA16029281.

ClinVar aggregate classification (germline): Uncertain significance. Review status: criteria provided, multiple submitters, no conflicts (2 of 4 stars). 3 submissions from 3 submitters: Uncertain significance (3). Last evaluated 2026-04-22.

Conditions:
Hereditary cancer-predisposing syndrome. Also called: Hereditary Cancer Syndrome; Neoplastic Syndromes, Hereditary; Tumor predisposition; Hereditary neoplastic syndrome. Identifiers: Orphanet 140162, MedGen C0027672, MeSH D009386, MONDO:0015356.
Familial adenomatous polyposis 1 (FAP1). Also called: FAMILIAL ADENOMATOUS POLYPOSIS 1, ATTENUATED; POLYPOSIS, ADENOMATOUS INTESTINAL. Identifiers: MedGen C2713442, MONDO:0021056, OMIM 175100. Disease mechanism: loss of function.

Allele frequency attached by ClinVar (database versions not stated): TOPMed below 0.00001.

Submissions (3):

Ambry Genetics
Classification: Uncertain significance for Hereditary cancer-predisposing syndrome. Last evaluated: 2026-04-22. Review status: criteria provided, single submitter. Criteria: Ambry Variant Classification Scheme 2023. Collection method: clinical testing. Allele origin: germline.
Comment: The p.K1207E variant (also known as c.3619A>G), located in coding exon 15 of the APC gene, results from an A to G substitution at nucleotide position 3619. The lysine at codon 1207 is replaced by glutamic acid, an amino acid with similar properties. This amino acid position is highly conserved in available vertebrate species. In addition, in silico predictors for this gene do not accurately predict pathogenicity. Missense variants in APC are not a common cause of disease (Spier I et al. Genet Med. 2024 Feb;26(2):100992). Based on the available evidence, the clinical significance of this variant remains unclear.

Color Diagnostics, LLC DBA Color Health
Classification: Uncertain significance for Hereditary cancer-predisposing syndrome. Last evaluated: 2025-07-25. Review status: criteria provided, single submitter. Criteria: ACMG Guidelines, 2015. Collection method: clinical testing. Allele origin: germline.
Comment: This missense variant replaces lysine with glutamic acid at codon 1207 of the APC protein. Computational prediction suggests that this variant may not impact protein structure and function. To our knowledge, functional studies have not been reported for this variant. This variant has not been reported in individuals affected with APC-related disorders in the literature. This variant has not been identified in the general population by the Genome Aggregation Database (gnomAD). The available evidence is insufficient to determine the role of this variant in disease conclusively. Therefore, this variant is classified as a Variant of Uncertain Significance.

Labcorp Genetics (formerly Invitae), Labcorp
Classification: Uncertain significance for Familial adenomatous polyposis 1. Last evaluated: 2022-10-20. Review status: criteria provided, single submitter. Criteria: Invitae Variant Classification Sherloc (09022015). Collection method: clinical testing. Allele origin: germline.
Comment: This sequence change replaces lysine, which is basic and polar, with glutamic acid, which is acidic and polar, at codon 1207 of the APC protein (p.Lys1207Glu). This variant is not present in population databases (gnomAD no frequency). This variant has not been reported in the literature in individuals affected with APC-related conditions. ClinVar contains an entry for this variant (Variation ID: 966144). Advanced modeling of protein sequence and biophysical properties (such as structural, functional, and spatial information, amino acid conservation, physicochemical variation, residue mobility, and thermodynamic stability) performed at Invitae indicates that this missense variant is not expected to disrupt APC protein function. In summary, the available evidence is currently insufficient to determine the role of this variant in disease. Therefore, it has been classified as a Variant of Uncertain Significance.